The following is an entry in ClinVar:

ClinVar aggregate classification (germline): Uncertain significance (1 of 4 stars; one submission).

gnomAD v4.1: 1 of 1,614,178 alleles (0.000062%); no homozygotes.

Submission:

Ambry Genetics
Classification: Uncertain significance. Last evaluated: 2022-08-16. Review status: criteria provided, single submitter. Criteria: Ambry Variant Classification Scheme 2023. Collection method: clinical testing. Allele origin: germline.
Comment: The p.T1310I variant (also known as c.3929C>T), located in coding exon 17 of the NPAT gene, results from a C to T substitution at nucleotide position 3929. The threonine at codon 1310 is replaced by isoleucine, an amino acid with similar properties. This amino acid position is conserved. In addition, this alteration is predicted to be tolerated by in silico analysis. Since supporting evidence is limited at this time, the clinical significance of this alteration remains unclear.

NM_002519.3(NPAT):c.3929C>T (p.Thr1310Ile)

Gene: NPAT (nuclear protein, coactivator of histone transcription; minus strand). Cytogenetic location: 11q22.3.
Variant type: single nucleotide variant.
Coding change: c.3929C>T on transcript NM_002519.3 (MANE Select); coding-DNA position 3929, C replaced by T.
Protein change: p.Thr1310Ile; replaces threonine 1310 with isoleucine.
Molecular consequence: missense variant.
Genome position (GRCh38, 1-based): chr11:108,161,157, G>A on the plus strand (C>T on the coding strand, the complement: NPAT is on the minus strand). VCF-style: chr11-108161157-G-A. GRCh37 (hg19) VCF-style: chr11-108031884-G-A.
Other names: c.3950C>T, p.Thr1317Ile (NM_001321307.1); short protein forms T1317I, T1310I.
Identifiers: ClinVar variation 1736247 (VCV001736247.2), dbSNP rs2496694034, ClinGen allele CA382509738.
Genomic context (GRCh38, chr11:108,161,157, plus strand): 5'-ATATTTACACTGTTTTCACTTCCTGTTTCACTGGCAGGGCTGCAGGCAGGCAAGTCTGGG[G>A]TGACAGGAGGGACCATTACTTTTGATGTACTACTGTCTTCACTGAAACGCCTACTAGAGG-3'
Protein context (NP_002510.2, residues 1300-1320): STSKVMVPPV[Thr1310Ile]PDLPACSPAS